The following is an entry in ClinVar:

NM_000440.3(PDE6A):c.103G>A (p.Asp35Asn)

Gene: PDE6A (phosphodiesterase 6A; minus strand). Cytogenetic location: 5q32.
Variant type: single nucleotide variant.
Coding change: c.103G>A on transcript NM_000440.3 (MANE Select); coding-DNA position 103, G replaced by A.
Protein change: p.Asp35Asn; replaces aspartic acid 35 with asparagine.
Molecular consequence: missense variant.
Genome position (GRCh38, 1-based): chr5:149,944,571, C>T on the plus strand (G>A on the coding strand, the complement: PDE6A is on the minus strand). VCF-style: chr5-149944571-C-T. GRCh37 (hg19) VCF-style: chr5-149324134-C-T.
Other names: short protein forms D35N.
Identifiers: ClinVar variation 618781 (VCV000618781.22), dbSNP rs374847529, ClinGen allele CA3505145.

ClinVar aggregate classification (germline): Conflicting classifications of pathogenicity. Review status: criteria provided, conflicting classifications (1 of 4 stars). 6 submissions from 6 submitters: Uncertain significance (3); Likely benign (2). 1 of the submissions does not count toward it. Last evaluated 2025-12-17.

Conditions:
PDE6A-related disorder. Also called: PDE6A-related condition.
Retinal dystrophy. Also called: Inherited retinal dystrophy. Identifiers: Orphanet 71862, MedGen C0854723, MeSH D058499, MONDO:0019118, HP:0000556.
Retinitis pigmentosa (RP). Identifiers: Orphanet 791, MedGen C0035334, MeSH D012174, MONDO:0019200, OMIM 268000. Inheritance: Autosomal dominant, autosomal recessive and X linked inheritance.

Allele frequency attached by ClinVar (database versions not stated): gnomAD exomes 0.00007 and 0.00017; ESP Exome Variant Server 0.00008; gnomAD 0.00010 and 0.00012; TOPMed 0.00014; 1000 Genomes Project 30x 0.00016; ExAC 0.00017; 1000 Genomes Project 0.00020.
gnomAD v4.1: 129 of 1,613,880 alleles (0.008%); highest among the groups gnomAD compares: Middle Eastern, 0.21%; 1 homozygote.

Submissions (6):

Labcorp Genetics (formerly Invitae), Labcorp
Classification: Likely benign. Last evaluated: 2025-12-17. Review status: criteria provided, single submitter. Criteria: Invitae Variant Classification Sherloc (09022015). Collection method: clinical testing. Allele origin: germline.

PreventionGenetics, part of Exact Sciences
Classification: Uncertain significance for PDE6A-related condition. Last evaluated: 2025-09-19. Review status: criteria provided, single submitter. Criteria: ACMG Guidelines, 2015. Collection method: clinical testing. Allele origin: germline.
Comment: The PDE6A c.103G>A variant is predicted to result in the amino acid substitution p.Asp35Asn. To our knowledge, this variant has not been reported in the literature. This variant is reported in 0.13% of alleles in individuals of East Asian descent in gnomAD, which may be too frequent to be a primary cause of disease. Although we suspect that this variant may be benign, at this time, the clinical significance of this variant is uncertain due to the absence of conclusive functional and genetic evidence.

Blueprint Genetics
Classification: Likely benign. Last evaluated: 2024-11-07. Review status: criteria provided, single submitter. Criteria: ACMG Guidelines, 2015. Collection method: clinical testing. Allele origin: germline.

ARUP Laboratories, Molecular Genetics and Genomics, ARUP Laboratories
Classification: Uncertain significance. Last evaluated: 2018-06-23. Review status: criteria provided, single submitter. Criteria: ARUP Molecular Germline Variant Investigation Process. Collection method: clinical testing. Allele origin: germline.
Comment: The PDE6A c.103G>A; p.Asp35Asn variant (rs374847529), to our knowledge, has not been reported in humans with retinitis pigmentosa. However, this variant has been published in one dog with progressive retinal atrophy, as well as in two control dogs (Dekomien 2000). The c.103G>A; p.Asp35Asn variant is found in the general population with an overall allele frequency of 0.02% (44/277008 alleles) in the Genome Aggregation Database. The aspartic acid at codon 35 is moderately conserved across species but computational analyses (SIFT, PolyPhen-2) predict that this variant is tolerated. Considering available information, there is insufficient evidence to classify this variant with certainty. Pathogenic PDE6A variants are causative for autosomal recessive retinitis pigmentosa (MIM: 613810). References: Dekomien G and Epplen JT. Exclusion of the PDE6A gene for generalised progressive retinal atrophy in 11 breeds of dog. Anim Genet. 2000 Apr;31(2):135-9.

Illumina Laboratory Services, Illumina
Classification: Uncertain significance for Retinitis pigmentosa. Last evaluated: 2017-04-27. Review status: criteria provided, single submitter. Criteria: ICSL Variant Classification Criteria 13 December 2019. Collection method: clinical testing. Allele origin: germline.

Institute of Human Genetics, Univ. Regensburg, Univ. Regensburg
Classification: Uncertain significance for Retinal dystrophy. Last evaluated: 2022-01-01. Review status: no assertion criteria provided. Criteria: ACMG Guidelines, 2015. Collection method: clinical testing. Allele origin: germline. Affected: yes. Not counted in ClinVar's aggregate classification.